The following is an entry in ClinVar:

ClinVar aggregate classification (germline): Uncertain significance (1 of 4 stars; one submission).

gnomAD v4.1: 3 of 1,543,950 alleles (0.00019%); highest among the groups gnomAD compares: Admixed American, 0.002%; no homozygotes.

Submission:

Labcorp Genetics (formerly Invitae), Labcorp
Classification: Uncertain significance. Last evaluated: 2024-03-20. Review status: criteria provided, single submitter. Criteria: Invitae Variant Classification Sherloc (09022015). Collection method: clinical testing. Allele origin: germline.
Comment: This sequence change replaces arginine, which is basic and polar, with tryptophan, which is neutral and slightly polar, at codon 1292 of the GREB1L protein (p.Arg1292Trp). The frequency data for this variant in the population databases is considered unreliable, as metrics indicate poor data quality at this position in the gnomAD database. This variant has not been reported in the literature in individuals affected with GREB1L-related conditions. An algorithm developed to predict the effect of missense changes on protein structure and function (PolyPhen-2) suggests that this variant is likely to be disruptive. In summary, the available evidence is currently insufficient to determine the role of this variant in disease. Therefore, it has been classified as a Variant of Uncertain Significance.

NM_001142966.3(GREB1L):c.3874C>T (p.Arg1292Trp)

Gene: GREB1L (GREB1 like retinoic acid receptor coactivator; plus strand). Cytogenetic location: 18q11.2.
Variant type: single nucleotide variant.
Coding change: c.3874C>T on transcript NM_001142966.3 (MANE Select); coding-DNA position 3874, C replaced by T.
Protein change: p.Arg1292Trp; replaces arginine 1292 with tryptophan.
Molecular consequence: missense variant.
Genome position (GRCh38, 1-based): chr18:21,500,211, C>T. VCF-style: chr18-21500211-C-T. GRCh37 (hg19) VCF-style: chr18-19080172-C-T.
Other names: c.4003C>T, p.Arg1335Trp (NM_001410867.1); c.3547C>T, p.Arg1183Trp (NM_001410868.1); short protein forms R1183W, R1292W, R1335W.
Identifiers: ClinVar variation 3604173 (VCV003604173.2).
Genomic context (GRCh38, chr18:21,500,211, plus strand): 5'-CTGAACAAGGACATGAGCAGTGAGGAGCAGTCCCTCTACTACAGGCAGTGGACCTTGGCC[C>T]GGCAGCACCACGCTGACTATAGCAACCAGCTGGACCCGGCCTCTGGCACCCGAAACTTCC-3'
Protein context (NP_001136438.1, residues 1282-1302): SLYYRQWTLA[Arg1292Trp]QHHADYSNQL